The following is an entry in ClinVar:

NM_005765.3(ATP6AP2):c.19C>G (p.Leu7Val)

Genes: ATP6AP2 (ATPase H+ transporting accessory protein 2; plus strand), LOC130068149 (ATAC-STARR-seq lymphoblastoid silent region 20763; plus strand). Cytogenetic location: Xp11.4.
Variant type: single nucleotide variant.
Coding change: c.19C>G on transcript NM_005765.3 (MANE Select); coding-DNA position 19, C replaced by G.
Protein change: p.Leu7Val; replaces leucine 7 with valine.
Molecular consequence: missense variant.
Genome position (GRCh38, 1-based): chrX:40,581,084, C>G. VCF-style: chrX-40581084-C-G. GRCh37 (hg19) VCF-style: chrX-40440336-C-G.
Other names: short protein forms L7V.
Identifiers: ClinVar variation 3659898 (VCV003659898.2).

ClinVar aggregate classification (germline): Uncertain significance (1 of 4 stars; one submission).

Conditions:
Intellectual developmental disorder, X-linked, syndromic, Hedera type. Also called: Syndromic X-linked intellectual disability Hedera type. Identifiers: Orphanet 93952, MedGen C1845543, MONDO:0010319, OMIM 300423.

gnomAD v4.1: 3 of 1,162,998 alleles (0.00026%); highest among the groups gnomAD compares: Non-Finnish European, 0.00034%; no homozygotes.

Submission:

Labcorp Genetics (formerly Invitae), Labcorp
Classification: Uncertain significance for Intellectual developmental disorder, X-linked, syndromic, Hedera type. Last evaluated: 2024-07-19. Review status: criteria provided, single submitter. Criteria: Invitae Variant Classification Sherloc (09022015). Collection method: clinical testing. Allele origin: germline.
Comment: This sequence change replaces leucine, which is neutral and non-polar, with valine, which is neutral and non-polar, at codon 7 of the ATP6AP2 protein (p.Leu7Val). This variant is not present in population databases (gnomAD no frequency). This variant has not been reported in the literature in individuals affected with ATP6AP2-related conditions. An algorithm developed to predict the effect of missense changes on protein structure and function (PolyPhen-2) suggests that this variant is likely to be tolerated. In summary, the available evidence is currently insufficient to determine the role of this variant in disease. Therefore, it has been classified as a Variant of Uncertain Significance.